The following is an entry in ClinVar:

ClinVar aggregate classification (germline): Uncertain significance (1 of 4 stars; one submission).

Conditions:
Inborn genetic diseases. Identifiers: MedGen C0950123, MeSH D030342.

Submission:

Ambry Genetics
Classification: Uncertain significance for Inborn genetic diseases. Last evaluated: 2026-03-24. Review status: criteria provided, single submitter. Criteria: Ambry Variant Classification Scheme 2023. Collection method: clinical testing. Allele origin: germline.
Comment: The p.H236P variant (also known as c.707A>C), located in coding exon 5 of the MECOM gene, results from an A to C substitution at nucleotide position 707. The histidine at codon 236 is replaced by proline, an amino acid with similar properties. This amino acid position is conserved. In addition, this alteration is predicted to be tolerated by in silico analysis. Based on the available evidence, the clinical significance of this variant remains unclear.

NM_004991.4(MECOM):c.707A>C (p.His236Pro)

Gene: MECOM (MDS1 and EVI1 complex locus; minus strand). Cytogenetic location: 3q26.2.
Variant type: single nucleotide variant.
Coding change: c.707A>C on transcript NM_004991.4 (MANE Select); coding-DNA position 707, A replaced by C.
Protein change: p.His236Pro; replaces histidine 236 with proline.
Molecular consequence: missense variant.
Genome position (GRCh38, 1-based): chr3:169,127,967, T>G on the plus strand (A>C on the coding strand, the complement: MECOM is on the minus strand). VCF-style: chr3-169127967-T-G. GRCh37 (hg19) VCF-style: chr3-168845755-T-G.
Other names: c.335A>C, p.His112Pro (NM_001105077.4); c.143A>C, p.His48Pro (NM_001366472.2, NM_001366474.2, NM_005241.4 and 9 more transcripts); c.707A>C, p.His236Pro (NM_001366473.2, NM_001366466.2); short protein forms H112P, H236P, H48P.
Identifiers: ClinVar variation 4859704 (VCV004859704.1).